The following is an entry in ClinVar:

ClinVar aggregate classification (germline): Uncertain significance. Review status: criteria provided, multiple submitters, no conflicts (2 of 4 stars). 2 submissions from 2 submitters: Uncertain significance (2). Last evaluated 2024-06-17.

Allele frequency attached by ClinVar (database versions not stated): gnomAD 0.00001; TOPMed 0.00002.
gnomAD v4.1: 13 of 1,613,930 alleles (0.00081%); highest among the groups gnomAD compares: East Asian, 0.0022%; no homozygotes.

Submissions (2):

Blueprint Genetics
Classification: Uncertain significance. Last evaluated: 2024-06-17. Review status: criteria provided, single submitter. Criteria: ACMG Guidelines, 2015. Collection method: clinical testing. Allele origin: germline.

Labcorp Genetics (formerly Invitae), Labcorp
Classification: Uncertain significance. Last evaluated: 2022-05-12. Review status: criteria provided, single submitter. Criteria: Invitae Variant Classification Sherloc (09022015). Collection method: clinical testing. Allele origin: germline.
Comment: This sequence change affects codon 791 of the TRPM1 mRNA. It is a 'silent' change, meaning that it does not change the encoded amino acid sequence of the TRPM1 protein. This variant also falls at the last nucleotide of exon 18, which is part of the consensus splice site for this exon. This variant is present in population databases (rs771354727, gnomAD 0.005%). This variant has not been reported in the literature in individuals affected with TRPM1-related conditions. Variants that disrupt the consensus splice site are a relatively common cause of aberrant splicing (PMID: 17576681, 9536098). Algorithms developed to predict the effect of sequence changes on RNA splicing suggest that this variant may disrupt the consensus splice site. In summary, the available evidence is currently insufficient to determine the role of this variant in disease. Therefore, it has been classified as a Variant of Uncertain Significance.

Literature cited by the submitters: PubMed 17576681 (cited by Labcorp Genetics (formerly Invitae), Labcorp); PubMed 9536098 (cited by Labcorp Genetics (formerly Invitae), Labcorp).

NM_001252024.2(TRPM1):c.2439G>A (p.Thr813=)

Gene: TRPM1 (transient receptor potential cation channel subfamily M member 1; minus strand). Cytogenetic location: 15q13.3.
Variant type: single nucleotide variant.
Coding change: c.2439G>A on transcript NM_001252024.2 (MANE Select); coding-DNA position 2439, G replaced by A.
Protein change: p.Thr813=; no amino-acid change (threonine 813 retained).
Molecular consequence: synonymous variant.
Genome position (GRCh38, 1-based): chr15:31,038,044, C>T on the plus strand (G>A on the coding strand, the complement: TRPM1 is on the minus strand). VCF-style: chr15-31038044-C-T. GRCh37 (hg19) VCF-style: chr15-31330247-C-T.
Other names: c.2490G>A, p.Thr830= (NM_001252020.2); c.2373G>A, p.Thr791= (NM_002420.6).
Identifiers: ClinVar variation 1963689 (VCV001963689.3), dbSNP rs771354727, ClinGen allele CA7452210.